The following is an entry in ClinVar:

NM_002979.5(SCP2):c.1111C>T (p.Gln371Ter)

Gene: SCP2 (sterol carrier protein 2; plus strand). Cytogenetic location: 1p32.3.
Variant type: single nucleotide variant.
Coding change: c.1111C>T on transcript NM_002979.5 (MANE Select); coding-DNA position 1111, C replaced by T.
Protein change: p.Gln371Ter; replaces glutamine 371 with a stop codon.
Molecular consequence: nonsense.
Genome position (GRCh38, 1-based): chr1:53,014,919, C>T. VCF-style: chr1-53014919-C-T. GRCh37 (hg19) VCF-style: chr1-53480591-C-T.
Other names: c.1039C>T, p.Gln347Ter (NM_001193599.2); c.979C>T, p.Gln327Ter (NM_001193600.2); c.868C>T, p.Gln290Ter (NM_001193617.2); short protein forms Q371*, Q327*, Q290*, Q347*.
Identifiers: ClinVar variation 1033966 (VCV001033966.8), dbSNP rs369561869, ClinGen allele CA857336.

ClinVar aggregate classification (germline): Pathogenic. Review status: criteria provided, multiple submitters, no conflicts (2 of 4 stars). 3 submissions from 3 submitters: Pathogenic (2). 1 of the submissions does not count toward it. Last evaluated 2025-05-05.

Conditions:
SCP2-related disorder. Also called: SCP2-related condition.
Sterol carrier protein 2 deficiency. Also called: Leukoencephalopathy with dystonia and motor neuropathy; Leukoencephalopathy, dystonia, motor neuropathy syndrome. Identifiers: Orphanet 163684, MedGen C3150990, MONDO:0013391, OMIM 613724.

Allele frequency attached by ClinVar (database versions not stated): gnomAD exomes 0.00001 and 0.00004; TOPMed 0.00001; ExAC 0.00002; ESP Exome Variant Server 0.00008.

Submissions (3):

Labcorp Genetics (formerly Invitae), Labcorp
Classification: Pathogenic. Last evaluated: 2025-05-05. Review status: criteria provided, single submitter. Criteria: Invitae Variant Classification Sherloc (09022015). Collection method: clinical testing. Allele origin: germline.
Comment: This sequence change creates a premature translational stop signal (p.Gln371*) in the SCP2 gene. It is expected to result in an absent or disrupted protein product. Loss-of-function variants in SCP2 are known to be pathogenic (PMID: 16685654, 26497993). This variant is present in population databases (rs369561869, gnomAD 0.003%). This variant has not been reported in the literature in individuals affected with SCP2-related conditions. ClinVar contains an entry for this variant (Variation ID: 1033966). For these reasons, this variant has been classified as Pathogenic.

Baylor Genetics
Classification: Pathogenic for Sterol carrier protein 2 deficiency. Last evaluated: 2018-05-07. Review status: criteria provided, single submitter. Criteria: ACMG Guidelines, 2015. Collection method: clinical testing. Allele origin: unknown. Affected: yes.
Comment: This variant was determined to be pathogenic according to ACMG Guidelines, 2015 [PMID:25741868].

PreventionGenetics, part of Exact Sciences
Classification: Pathogenic for SCP2-related condition. Last evaluated: 2024-04-22. Review status: no assertion criteria provided. Collection method: clinical testing. Allele origin: germline. Not counted in ClinVar's aggregate classification.
Comment: The SCP2 c.1111C>T variant is predicted to result in premature protein termination (p.Gln371*). This variant has been reported in an individual with recurrent seizures (Nangia et al. 2022. PubMed ID: 36588923). This variant is reported in 0.0026% of alleles in individuals of European (non-Finnish) descent in gnomAD. Nonsense variants in SCP2 are expected to be pathogenic. This variant is interpreted as pathogenic.

Literature cited by the submitters: PubMed 16685654 (cited by Labcorp Genetics (formerly Invitae), Labcorp); PubMed 26497993 (cited by Labcorp Genetics (formerly Invitae), Labcorp).